The following is an entry in ClinVar:

NM_003476.5(CSRP3):c.44A>G (p.Lys15Arg)

Gene: CSRP3 (cysteine and glycine rich protein 3; minus strand). Cytogenetic location: 11p15.1.
Variant type: single nucleotide variant.
Coding change: c.44A>G on transcript NM_003476.5 (MANE Select); coding-DNA position 44, A replaced by G.
Protein change: p.Lys15Arg; replaces lysine 15 with arginine.
Molecular consequence: missense variant.
Genome position (GRCh38, 1-based): chr11:19,192,405, T>C on the plus strand (A>G on the coding strand, the complement: CSRP3 is on the minus strand). VCF-style: chr11-19192405-T-C. GRCh37 (hg19) VCF-style: chr11-19213952-T-C.
Other names: c.44A>G, p.Lys15Arg (NM_001369404.1); short protein forms K15R.
Identifiers: ClinVar variation 4526229 (VCV004526229.3).

ClinVar aggregate classification (germline): Uncertain significance. Review status: criteria provided, multiple submitters, no conflicts (2 of 4 stars). 3 submissions from 3 submitters: Uncertain significance (3). Last evaluated 2025-09-25.

Conditions:
Dilated cardiomyopathy 1M (CMD1M). Identifiers: Orphanet 154, MedGen C1843808, MONDO:0011840, OMIM 607482.
Hypertrophic cardiomyopathy 12. Identifiers: MedGen C2677491, MONDO:0012804, OMIM 612124.
Cardiovascular phenotype. Identifiers: MedGen CN230736.

gnomAD v4.1: 1 of 1,614,214 alleles (0.000062%); highest among the groups gnomAD compares: African/African-American, 0.0013%; no homozygotes.

Submissions (3):

Ambry Genetics
Classification: Uncertain significance for Cardiovascular phenotype. Last evaluated: 2025-09-25. Review status: criteria provided, single submitter. Criteria: Ambry Variant Classification Scheme 2023. Collection method: clinical testing. Allele origin: germline.
Comment: The p.K15R variant (also known as c.44A>G), located in coding exon 1 of the CSRP3 gene, results from an A to G substitution at nucleotide position 44. The lysine at codon 15 is replaced by arginine, an amino acid with highly similar properties. This amino acid position is conserved. In addition, the in silico prediction for this alteration is inconclusive. Based on the available evidence, the clinical significance of this variant remains unclear.

Women's Health and Genetics/Laboratory Corporation of America, LabCorp
Classification: Uncertain significance. Last evaluated: 2025-07-24. Review status: criteria provided, single submitter. Criteria: LabCorp Variant Classification Summary - May 2015. Collection method: clinical testing. Allele origin: germline.
Comment: Variant summary: CSRP3 c.44A>G (p.Lys15Arg) results in a conservative amino acid change in the encoded protein sequence. Algorithms developed to predict the effect of missense changes on protein structure and function are either unavailable or do not agree on the potential impact of this missense change. The variant allele was found at a frequency of 4e-06 in 251460 control chromosomes. The available data on variant occurrences in the general population are insufficient to allow any conclusion about variant significance. To our knowledge, no occurrence of c.44A>G in individuals affected with Cardiomyopathy and no experimental evidence demonstrating its impact on protein function have been reported. No submitters have cited clinical-significance assessments for this variant to ClinVar. Based on the evidence outlined above, the variant was classified as uncertain significance.

Labcorp Genetics (formerly Invitae), Labcorp
Classification: Uncertain significance for Hypertrophic cardiomyopathy 12; Dilated cardiomyopathy 1M. Last evaluated: 2025-04-01. Review status: criteria provided, single submitter. Criteria: Invitae Variant Classification Sherloc (09022015). Collection method: clinical testing. Allele origin: germline.
Comment: This sequence change replaces lysine, which is basic and polar, with arginine, which is basic and polar, at codon 15 of the CSRP3 protein (p.Lys15Arg). This variant is present in population databases (no rsID available, gnomAD 0.007%). This variant has not been reported in the literature in individuals affected with CSRP3-related conditions. An algorithm developed to predict the effect of missense changes on protein structure and function (PolyPhen-2) suggests that this variant is likely to be tolerated. In summary, the available evidence is currently insufficient to determine the role of this variant in disease. Therefore, it has been classified as a Variant of Uncertain Significance.